The following is an entry in ClinVar:

NM_001943.5(DSG2):c.1863C>G (p.Ala621=)

Gene: DSG2 (desmoglein 2; plus strand). Cytogenetic location: 18q12.1.
Variant type: single nucleotide variant.
Coding change: c.1863C>G on transcript NM_001943.5 (MANE Select); coding-DNA position 1863, C replaced by G.
Protein change: p.Ala621=; no amino-acid change (alanine 621 retained).
Molecular consequence: synonymous variant.
Genome position (GRCh38, 1-based): chr18:31,538,962, C>G. VCF-style: chr18-31538962-C-G. GRCh37 (hg19) VCF-style: chr18-29118925-C-G.
Other names: c.1863C>G (LRG_397t1).
Identifiers: ClinVar variation 326481 (VCV000326481.11), dbSNP rs768150787, ClinGen allele CA10641366.

ClinVar aggregate classification (germline): Conflicting classifications of pathogenicity. Review status: criteria provided, conflicting classifications (1 of 4 stars). 5 submissions from 5 submitters: Uncertain significance (1); Likely benign (4). Last evaluated 2025-01-27.

Conditions:
Cardiovascular phenotype. Identifiers: MedGen CN230736.
Arrhythmogenic right ventricular cardiomyopathy (ARVD). Also called: Arrhythmogenic cardiomyopathy; Arrhythmogenic Right Ventricular Cardiomyopathy (ARVC); Cardiomyopathy, ARVC; Arrhythmogenic right ventricular dysplasia. Identifiers: Orphanet 247, MedGen C0349788, MeSH D019571, MONDO:0016587. Disease mechanism: loss of function. Inheritance: Various modes of inheritance.
Cardiomyopathy (CMYO). Also called: Cardiomyopathies. Identifiers: Orphanet 167848, MedGen C0878544, MONDO:0004994, HP:0001638. Inheritance: Various modes of inheritance.
Arrhythmogenic right ventricular dysplasia 10. Also called: ARRHYTHMOGENIC RIGHT VENTRICULAR DYSPLASIA, FAMILIAL, 10; Arrhythmogenic Right Ventricular Dysplasia/Cardiomyopathy10; Arrhythmogenic right ventricular dysplasia/cardiomyopathy, type 10. Identifiers: MedGen C1857777, MONDO:0012434, OMIM 610193.

gnomAD v4.1: 10 of 1,613,708 alleles (0.00062%); highest among the groups gnomAD compares: Non-Finnish European, 0.00085%; no homozygotes.

Submissions (5):

Labcorp Genetics (formerly Invitae), Labcorp
Classification: Likely benign for Arrhythmogenic right ventricular dysplasia 10. Last evaluated: 2025-01-27. Review status: criteria provided, single submitter. Criteria: Invitae Variant Classification Sherloc (09022015). Collection method: clinical testing. Allele origin: germline.

Ambry Genetics
Classification: Likely benign for Cardiovascular phenotype. Last evaluated: 2024-08-07. Review status: criteria provided, single submitter. Criteria: Ambry Variant Classification Scheme 2023. Collection method: clinical testing. Allele origin: germline.

All of Us Research Program, National Institutes of Health
Classification: Likely benign for Arrhythmogenic right ventricular cardiomyopathy. Last evaluated: 2023-12-01. Review status: criteria provided, single submitter. Criteria: ACMG Guidelines, 2015. Collection method: clinical testing. Allele origin: germline. Inheritance: Autosomal dominant inheritance. Observed: 2 variant alleles, 2 heterozygotes.
Comment: This study involves interpretation of variants in research participants for the purpose of population health screening. Participant phenotype was not available at the time of variant classification. Additional details can be found in publication PMID: 35346344, PMCID: PMC8962531

Color Diagnostics, LLC DBA Color Health
Classification: Likely benign for Cardiomyopathy. Last evaluated: 2023-05-10. Review status: criteria provided, single submitter. Criteria: ACMG Guidelines, 2015. Collection method: clinical testing. Allele origin: germline.

Illumina Laboratory Services, Illumina
Classification: Uncertain significance for Arrhythmogenic right ventricular dysplasia 10. Last evaluated: 2018-01-12. Review status: criteria provided, single submitter. Criteria: ICSL Variant Classification Criteria 13 December 2019. Collection method: clinical testing. Allele origin: germline.